The following is an entry in ClinVar:

ClinVar aggregate classification (germline): Likely benign. Review status: criteria provided, single submitter (1 of 4 stars). 2 submissions from 2 submitters: Likely benign (1). 1 of the submissions does not count toward it. Last evaluated 2025-08-01.

Conditions:
CSDE1-related disorder. Also called: CSDE1-related condition.

Allele frequency attached by ClinVar (database versions not stated): ESP Exome Variant Server 0.00015; gnomAD 0.00020; TOPMed 0.00022; ExAC 0.00029.
gnomAD v4.1: 693 of 1,613,930 alleles (0.043%); highest among the groups gnomAD compares: Non-Finnish European, 0.051%; 1 homozygote.

Submissions (2):

CeGaT Center for Human Genetics Tuebingen
Classification: Likely benign. Last evaluated: 2025-08-01. Review status: criteria provided, single submitter. Criteria: CeGaT Center For Human Genetics Tuebingen Variant Classification Criteria Version 2. Collection method: clinical testing. Allele origin: germline. Affected: yes. Observed: 1 variant allele.
Comment: CSDE1: BP4, BP7

PreventionGenetics, part of Exact Sciences
Classification: Likely benign for CSDE1-related condition. Last evaluated: 2021-04-19. Review status: no assertion criteria provided. Collection method: clinical testing. Allele origin: germline. Not counted in ClinVar's aggregate classification.
Comment: This variant is classified as likely benign based on ACMG/AMP sequence variant interpretation guidelines (Richards et al. 2015 PMID: 25741868, with internal and published modifications).

NM_001007553.3(CSDE1):c.1818G>A (p.Arg606=)

Gene: CSDE1 (cold shock domain containing E1; minus strand). Cytogenetic location: 1p13.2.
Variant type: single nucleotide variant.
Coding change: c.1818G>A on transcript NM_001007553.3 (MANE Select); coding-DNA position 1818, G replaced by A.
Protein change: p.Arg606=; no amino-acid change (arginine 606 retained).
Molecular consequence: synonymous variant.
Genome position (GRCh38, 1-based): chr1:114,723,938, C>T on the plus strand (G>A on the coding strand, the complement: CSDE1 is on the minus strand). VCF-style: chr1-114723938-C-T. GRCh37 (hg19) VCF-style: chr1-115266559-C-T.
Other names: c.1863G>A, p.Arg621= (NM_001130523.3); c.1956G>A, p.Arg652= (NM_001242891.2); c.1818G>A, p.Arg606= (NM_001242892.2); c.1725G>A, p.Arg575= (NM_001242893.2, NM_007158.6).
Identifiers: ClinVar variation 3049325 (VCV003049325.10), dbSNP rs13990, ClinGen allele CA1020971.